The following is an entry in ClinVar:

ClinVar aggregate classification (germline): Conflicting classifications of pathogenicity. Review status: criteria provided, conflicting classifications (1 of 4 stars). 11 submissions from 11 submitters: Uncertain significance (5); Likely benign (5). 1 of the submissions does not count toward it. Last evaluated 2026-02-03.

Conditions:
ATM-related disorder. Also called: ATM-related disorders; ATM-related condition.
Hereditary cancer-predisposing syndrome. Also called: Tumor predisposition; Neoplastic Syndromes, Hereditary; Hereditary neoplastic syndrome; Hereditary Cancer Syndrome. Identifiers: Orphanet 140162, MedGen C0027672, MeSH D009386, MONDO:0015356.
Familial cancer of breast. Also called: BREAST CANCER, FAMILIAL; Hereditary breast cancer; hereditary breast carcinoma. Identifiers: Orphanet 227535, MedGen C0346153, MONDO:0016419, OMIM 114480. Disease mechanism: loss of function.
Ataxia-telangiectasia syndrome (AT). Also called: Ataxia-telangiectasia, complementation group D; AT, COMPLEMENTATION GROUP C; Cerebello-oculocutaneous telangiectasia; Immunodeficiency with ataxia telangiectasia; ATAXIA-TELANGIECTASIA, COMPLEMENTATION GROUP A; ATAXIA-TELANGIECTASIA, FRESNO VARIANT. Identifiers: Orphanet 100, MedGen C0004135, MONDO:0008840, OMIM 208900.
Malignant tumor of breast. Also called: Malignant breast neoplasm; Cancer breast. Identifiers: MedGen C0006142, MONDO:0007254. Disease mechanism: loss of function.

Allele frequency attached by ClinVar (database versions not stated): gnomAD 0.00001 and 0.00002; TOPMed 0.00002; ESP Exome Variant Server 0.00008; gnomAD exomes 0.00009; ExAC 0.00012.
gnomAD v4.1: 86 of 1,613,490 alleles (0.0053%); highest among the groups gnomAD compares: South Asian, 0.066%; no homozygotes.

Submissions (11):

Labcorp Genetics (formerly Invitae), Labcorp
Classification: Likely benign for Ataxia-telangiectasia syndrome. Last evaluated: 2026-02-03. Review status: criteria provided, single submitter. Criteria: Invitae Variant Classification Sherloc (09022015). Collection method: clinical testing. Allele origin: germline.

PreventionGenetics, part of Exact Sciences
Classification: Likely benign for ATM-related condition. Last evaluated: 2025-12-01. Review status: criteria provided, single submitter. Criteria: ACMG Guidelines, 2015. Collection method: clinical testing. Allele origin: germline.
Comment: This variant is classified as likely benign based on ACMG/AMP sequence variant interpretation guidelines (Richards et al. 2015 PMID: 25741868, with internal and published modifications).

Quest Diagnostics Nichols Institute San Juan Capistrano
Classification: Uncertain significance. Last evaluated: 2025-05-02. Review status: criteria provided, single submitter. Criteria: Quest Diagnostics criteria. Collection method: clinical testing. Allele origin: unknown.

Center for Genomic Medicine, Rigshospitalet, Copenhagen University Hospital
Classification: Likely benign. Last evaluated: 2025-03-04. Review status: criteria provided, single submitter. Criteria: ACMG Guidelines, 2015. Collection method: clinical testing. Allele origin: germline.
Comment: Classification criteria: BS1, BP4

Color Diagnostics, LLC DBA Color Health
Classification: Likely benign for Hereditary cancer-predisposing syndrome. Last evaluated: 2024-09-18. Review status: criteria provided, single submitter. Criteria: ACMG Guidelines, 2015. Collection method: clinical testing. Allele origin: germline.

GeneDx
Classification: Uncertain significance. Last evaluated: 2024-05-13. Review status: criteria provided, single submitter. Criteria: GeneDx Variant Classification Process June 2021. Collection method: clinical testing. Allele origin: germline. Affected: yes.
Comment: In silico analysis supports that this missense variant has a deleterious effect on protein structure/function; Published functional studies demonstrate activity similar to wild type in DNA damage and cell cycle checkpoint assays (PMID: 29423082); This variant is associated with the following publications: (PMID: 24416720, 36200007, 33471991, 36243179, 30287823, 29423082, 35534704)

Women's Health and Genetics/Laboratory Corporation of America, LabCorp
Classification: Uncertain significance. Last evaluated: 2024-01-08. Review status: criteria provided, single submitter. Criteria: LabCorp Variant Classification Summary - May 2015. Collection method: clinical testing. Allele origin: germline.
Comment: Variant summary: ATM c.94C>T (p.Arg32Cys) results in a non-conservative amino acid change located in the Telomere-length maintenance and DNA damage (IPR021668) of the encoded protein sequence. Four of five in-silico tools predict a damaging effect of the variant on protein function. The variant allele was found at a frequency of 8.8e-05 in 251158 control chromosomes. This frequency is not significantly higher than estimated for a pathogenic variant in ATM causing Ataxia-Telangiectasia (8.8e-05 vs 0.004), allowing no conclusion about variant significance. c.94C>T has been reported in the literature in at-least one individual affected with Colorectal cancer, without strong evidence for causality (deOliveira-Garcia_2022). In a large study evaluating breast cancer cases and controls in the Breast Cancer Association Consortium (BCAC), the variant was reported in 6/53461 controls and 2/60466 case (Dorling_2021 through LOVD). In another case-control studies of Biliary tract cancer, this variant was not found in 1,229 cases but was reported at 0.001% in 37,583 controls (Okawa_2023). These report(s) do not provide unequivocal conclusions about association of the variant with Ataxia-Telangiectasia or other ATM-related diseases. To our knowledge, no experimental evidence demonstrating an impact on protein function has been reported. The following publications have been ascertained in the context of this evaluation (PMID: 33471991, 36243179, 35534704). ClinVar contains an entry for this variant (Variation ID: 142913, Likely benign, n=3; VUS, n=5). Based on the evidence outlined above, the variant was classified as uncertain significance.

Centre for Mendelian Genomics, University Medical Centre Ljubljana
Classification: Uncertain significance for Familial cancer of breast. Last evaluated: 2019-07-08. Review status: criteria provided, single submitter. Criteria: ACMG Guidelines, 2015. Collection method: clinical testing. Allele origin: unknown. Affected: yes.
Comment: This variant was classified as: Uncertain significance. The available evidence on this variant's pathogenicity is insufficient or conflicting. The following ACMG criteria were applied in classifying this variant: PP3,BP1.

Ambry Genetics
Classification: Likely benign for Hereditary cancer-predisposing syndrome. Last evaluated: 2018-12-27. Review status: criteria provided, single submitter. Criteria: Ambry Variant Classification Scheme 2023. Collection method: clinical testing. Allele origin: germline.

Mendelics
Classification: Uncertain significance for Ataxia-telangiectasia syndrome. Last evaluated: 2018-07-02. Review status: criteria provided, single submitter. Criteria: Mendelics Assertion Criteria 2017. Collection method: clinical testing. Allele origin: unknown.

Department of Pathology and Laboratory Medicine, Sinai Health System
Classification: Uncertain significance for Malignant tumor of breast. Review status: no assertion criteria provided. Collection method: clinical testing. Allele origin: unknown. Affected: yes. Observed: 1 variant allele. Study: The Canadian Open Genetics Repository (COGR). Not counted in ClinVar's aggregate classification.
Comment: The ATM p.Arg32Cys variant was identified in 1 of 400 proband chromosomes (frequency: 0.003) from American Indian and non-American Indian cancer individuals undergoing radiation therapy (Petereit 2013). The variant was also identified in dbSNP (ID: rs148061139) â€šÃ„ÃºWith Uncertain significanceâ€šÃ„Ã¹ allele, ClinVar (classified as uncertain significance by Ambry Genetics, Invitae and GeneDx), Clinvitae (3X as uncertain significance) and Cosmic (1X in an adenocarcinoma of the large intestine). The variant was not identified in GeneInsight-COGR, MutDB, LOVD 3.0, and ATM-LOVD databases. The variant was identified in control databases in 24 of 277068 chromosomes at a frequency of 0.00009 in the following populations: South Asian in 17 of 16510 chromosomes (freq. 0.00055), East Asian in 2 of 8654 chromosomes (freq. 0.0002), and European (Non-Finnish) in 2 of 66696 chromosomes (freq. 0.00003) increasing the likelihood this could be a low frequency variant (Genome Aggregation Consortium Feb 27, 2017). Although the p.Arg32 residue is not conserved in mammals and other organisms, computational analyses (PolyPhen-2, SIFT, AlignGVGD, BLOSUM, MutationTaster) suggest that the Cys variant may impact the protein. The variant occurs outside of the splicing consensus sequence and 1 of 5 in silico or computational prediction software programs (SpliceSiteFinder, MaxEntScan, NNSPLICE, GeneSplicer, HumanSpliceFinder) predict a greater than 10% difference in splicing; this is not very predictive of pathogenicity. In summary, based on the above information the clinical significance of this variant cannot be determined with certainty at this time. This variant is classified as a variant of uncertain significance.

Literature cited by the submitters: PubMed 30287823 (cited by Center for Genomic Medicine, Rigshospitalet, Copenhagen University Hospital); PubMed 29423082 (cited by Center for Genomic Medicine, Rigshospitalet, Copenhagen University Hospital and Ambry Genetics); PubMed 33471991 (cited by Women's Health and Genetics/Laboratory Corporation of America, LabCorp); PubMed 36243179 (cited by Women's Health and Genetics/Laboratory Corporation of America, LabCorp); PubMed 35534704 (cited by Women's Health and Genetics/Laboratory Corporation of America, LabCorp); PubMed 24416720 (cited by Ambry Genetics).

NM_000051.4(ATM):c.94C>T (p.Arg32Cys)

Gene: ATM (ATM serine/threonine kinase; plus strand). Cytogenetic location: 11q22.3.
Variant type: single nucleotide variant.
Coding change: c.94C>T on transcript NM_000051.4 (MANE Select); coding-DNA position 94, C replaced by T.
Protein change: p.Arg32Cys; replaces arginine 32 with cysteine.
Molecular consequence: missense variant.
Genome position (GRCh38, 1-based): chr11:108,227,797, C>T. VCF-style: chr11-108227797-C-T. GRCh37 (hg19) VCF-style: chr11-108098524-C-T.
Other names: c.94C>T, p.Arg32Cys (NM_001351834.2, NM_001351835.2, NM_001351836.2); short protein forms R32C.
Identifiers: ClinVar variation 142913 (VCV000142913.34), dbSNP rs148061139, ClinGen allele CA169733.